The following is an entry in ClinVar:

NM_022124.6(CDH23):c.3539C>G (p.Ala1180Gly)

Genes: C10orf105 (chromosome 10 open reading frame 105; minus strand), CDH23 (cadherin related 23; plus strand). Cytogenetic location: 10q22.1.
Variant type: single nucleotide variant.
Coding change: c.3539C>G on transcript NM_022124.6 (MANE Select); coding-DNA position 3539, C replaced by G.
Protein change: p.Ala1180Gly; replaces alanine 1180 with glycine.
Molecular consequence: missense variant. On other transcripts: intron variant (1).
Genome position (GRCh38, 1-based): chr10:71,725,480, C>G. VCF-style: chr10-71725480-C-G. GRCh37 (hg19) VCF-style: chr10-73485237-C-G.
Other names: c.3539C>G, p.Ala1180Gly (NM_001171930.2); c.-5-9138G>C (NM_001168390.2); short protein forms A1180G.
Identifiers: ClinVar variation 2870503 (VCV002870503.1), dbSNP rs1350774681, ClinGen allele CA377152817.

ClinVar aggregate classification (germline): Uncertain significance (1 of 4 stars; one submission).

Allele frequency attached by ClinVar (database versions not stated): gnomAD exomes below 0.00001; TOPMed below 0.00001; gnomAD 0.00001.
gnomAD v4.1: 3 of 1,613,786 alleles (0.00019%); highest among the groups gnomAD compares: Non-Finnish European, 0.00025%; no homozygotes.

Submission:

Labcorp Genetics (formerly Invitae), Labcorp
Classification: Uncertain significance. Last evaluated: 2023-06-09. Review status: criteria provided, single submitter. Criteria: Invitae Variant Classification Sherloc (09022015). Collection method: clinical testing. Allele origin: germline.
Comment: In summary, the available evidence is currently insufficient to determine the role of this variant in disease. Therefore, it has been classified as a Variant of Uncertain Significance. Advanced modeling of protein sequence and biophysical properties (such as structural, functional, and spatial information, amino acid conservation, physicochemical variation, residue mobility, and thermodynamic stability) has been performed at Invitae for this missense variant, however the output from this modeling did not meet the statistical confidence thresholds required to predict the impact of this variant on CDH23 protein function. This variant has not been reported in the literature in individuals affected with CDH23-related conditions. This variant is not present in population databases (gnomAD no frequency). This sequence change replaces alanine, which is neutral and non-polar, with glycine, which is neutral and non-polar, at codon 1180 of the CDH23 protein (p.Ala1180Gly).